The following is an entry in ClinVar:

NM_001127222.2(CACNA1A):c.616G>A (p.Val206Met)

Gene: CACNA1A (calcium voltage-gated channel subunit alpha1 A; minus strand). Cytogenetic location: 19p13.13.
Variant type: single nucleotide variant.
Coding change: c.616G>A on transcript NM_001127222.2 (MANE Select); coding-DNA position 616, G replaced by A.
Protein change: p.Val206Met; replaces valine 206 with methionine.
Molecular consequence: missense variant.
Genome position (GRCh38, 1-based): chr19:13,371,703, C>T on the plus strand (G>A on the coding strand, the complement: CACNA1A is on the minus strand). VCF-style: chr19-13371703-C-T. GRCh37 (hg19) VCF-style: chr19-13482517-C-T.
Other names: c.616G>A, p.Val206Met (NM_000068.4, NM_001127221.2, NM_001174080.2 and 1 more transcripts); short protein forms V206M.
Identifiers: ClinVar variation 1499506 (VCV001499506.8), dbSNP rs2144559196, ClinGen allele CA404350763.

ClinVar aggregate classification (germline): Uncertain significance (1 of 4 stars; one submission).

Conditions:
Episodic ataxia type 2 (EA2). Also called: ATAXIA, EPISODIC, WITH NYSTAGMUS; ATAXIA, FAMILIAL PAROXYSMAL; CEREBELLAR ATAXIA, PAROXYSMAL, ACETAZOLAMIDE-RESPONSIVE; CEREBELLOPATHY, HEREDITARY PAROXYSMAL; ACETAZOLAMIDE-RESPONSIVE HEREDITARY PAROXYSMAL CEREBELLAR ATAXIA; EPISODIC ATAXIA, NYSTAGMUS-ASSOCIATED. Identifiers: Orphanet 97, MedGen C1720416, MONDO:0007163, OMIM 108500.
Developmental and epileptic encephalopathy, 42 (DEE42A). Also called: DEVELOPMENTAL AND EPILEPTIC ENCEPHALOPATHY 42A; EPILEPTIC ENCEPHALOPATHY, EARLY INFANTILE, 42A; Epileptic encephalopathy, early infantile, 42. Identifiers: MedGen C4310716, MONDO:0014917, OMIM 617106.

Submission:

Labcorp Genetics (formerly Invitae), Labcorp
Classification: Uncertain significance for Developmental and epileptic encephalopathy, 42; Episodic ataxia type 2. Last evaluated: 2024-02-16. Review status: criteria provided, single submitter. Criteria: Invitae Variant Classification Sherloc (09022015). Collection method: clinical testing. Allele origin: germline.
Comment: This sequence change replaces valine, which is neutral and non-polar, with methionine, which is neutral and non-polar, at codon 206 of the CACNA1A protein (p.Val206Met). This variant is not present in population databases (gnomAD no frequency). This variant has not been reported in the literature in individuals affected with CACNA1A-related conditions. ClinVar contains an entry for this variant (Variation ID: 1499506). Advanced modeling of protein sequence and biophysical properties (such as structural, functional, and spatial information, amino acid conservation, physicochemical variation, residue mobility, and thermodynamic stability) performed at Invitae indicates that this missense variant is expected to disrupt CACNA1A protein function with a positive predictive value of 95%. In summary, the available evidence is currently insufficient to determine the role of this variant in disease. Therefore, it has been classified as a Variant of Uncertain Significance.